The following is an entry in ClinVar:

ClinVar aggregate classification (germline): Likely benign (1 of 4 stars; one submission).

Submission:

CeGaT Center for Human Genetics Tuebingen
Classification: Likely benign. Last evaluated: 2022-11-01. Review status: criteria provided, single submitter. Criteria: CeGaT Center For Human Genetics Tuebingen Variant Classification Criteria Version 2. Collection method: clinical testing. Allele origin: germline. Affected: yes. Observed: 2 variant alleles.
Comment: GRTP1: BS2

NM_024719.4(GRTP1):c.466-1266_466-1259del

Gene: GRTP1 (growth hormone regulated TBC protein 1; minus strand). Cytogenetic location: 13q34.
Variant type: Deletion.
Coding change: c.466-1266_466-1259del on transcript NM_024719.4 (MANE Select); 1266 bases into the intron before coding-DNA position 466 through 1259 bases into the intron before coding-DNA position 466, 8 bases deleted (TCAGCCAC; older notation c.466-1266_466-1259delTCAGCCAC).
Molecular consequence: intron variant.
Genome position (GRCh38, 1-based): chr13:113,346,218-113,346,225, GTGGCTGA deleted on the plus strand (TCAGCCAC on the coding strand, the reverse complement: GRTP1 is on the minus strand); deleting any 8 consecutive bases within chr13:113,346,218-113,346,226 gives the same sequence; the c. name uses the placement nearest the transcript's 3' end. VCF-style (leftmost placement, unchanged base first): chr13-113346217-TGTGGCTGA-T. GRCh37 (hg19) VCF-style: chr13-114000532-TGTGGCTGA-T.
Other names: c.466-1266_466-1259del (NM_001286733.1, NM_001286732.2); c.232-1266_232-1259del (NM_001411029.1).
Identifiers: ClinVar variation 2643986 (VCV002643986.24), dbSNP rs1354008626, ClinGen allele CA612715227.
Genomic context (GRCh38, chr13:113,346,217, plus strand): 5'-TGTGCCTGACAGTGGACCCGGGAGGACCTCTGTGGCTGAGAGCAGACCCGGGAGGACCTC[TGTGGCTGA>T]GAACAGACCCGGGAGGACCTCTGTGGCCGAGAGCAGATCCGGGAGGACCTCTGTGGCTGA-3'